The following is an entry in ClinVar:

NM_001374828.1(ARID1B):c.421G>A (p.Ala141Thr)

Genes: ARID1B (AT-rich interaction domain 1B; plus strand), LOC115308161 (uncharacterized LOC115308161; minus strand), LOC129997524 (ATAC-STARR-seq lymphoblastoid silent region 17711; plus strand). Cytogenetic location: 6q25.3.
Variant type: single nucleotide variant.
Coding change: c.421G>A on transcript NM_001374828.1 (MANE Select); coding-DNA position 421, G replaced by A.
Protein change: p.Ala141Thr; replaces alanine 141 with threonine.
Molecular consequence: missense variant.
Genome position (GRCh38, 1-based): chr6:156,778,101, G>A. VCF-style: chr6-156778101-G-A. GRCh37 (hg19) VCF-style: chr6-157099235-G-A.
Other names: c.172G>A, p.Ala58Thr (NM_001346813.1, NM_020732.3); c.421G>A, p.Ala141Thr (NM_001371656.1, NM_001374820.1, NM_017519.3); c.-3G>A (NM_175863.2); short protein forms A141T, A58T.
Identifiers: ClinVar variation 2657050 (VCV002657050.25), dbSNP rs772615576, ClinGen allele CA4066621.
Genomic context (GRCh38, chr6:156,778,101, plus strand): 5'-TCCTCCTCCTCCGCGGCGGCAGCGGCGGCATCCTCTTCCTCCTCGTCGGGCCCGGGCTCG[G>A]CCATGGAGACGGGGCTGCTCCCCAACCACAAACTGAAAACCGTTGGCGAAGCCCCCGCCG-3'
Protein context (NP_001361757.1, residues 131-151): SSSSSSGPGS[Ala141Thr]METGLLPNHK

ClinVar aggregate classification (germline): Conflicting classifications of pathogenicity. Review status: criteria provided, conflicting classifications (1 of 4 stars). 2 submissions from 2 submitters: Uncertain significance (1); Likely benign (1). Last evaluated 2023-11-08.

Conditions:
Coffin-Siris syndrome 1 (CSS1). Also called: ARID1B-Related Coffin-Siris Syndrome; Mental retardation, autosomal dominant 12. Identifiers: Orphanet 1465, MedGen C3281201, MONDO:0007617, OMIM 135900. Disease mechanism: gain of function.

Allele frequency attached by ClinVar (database versions not stated): gnomAD exomes 0.00002; ExAC 0.00013.
gnomAD v4.1: 23 of 1,540,714 alleles (0.0015%); highest among the groups gnomAD compares: South Asian, 0.025%; no homozygotes.

Submissions (2):

Revvity Omics, Revvity
Classification: Uncertain significance for Coffin-Siris syndrome 1. Last evaluated: 2023-11-08. Review status: criteria provided, single submitter. Criteria: ACMG Guidelines, 2015. Collection method: clinical testing. Allele origin: germline.

CeGaT Center for Human Genetics Tuebingen
Classification: Likely benign. Last evaluated: 2022-08-01. Review status: criteria provided, single submitter. Criteria: CeGaT Center For Human Genetics Tuebingen Variant Classification Criteria Version 2. Collection method: clinical testing. Allele origin: germline. Affected: yes. Observed: 1 variant allele.
Comment: ARID1B: BS2